The following is an entry in ClinVar:

ClinVar aggregate classification (germline): Likely pathogenic (1 of 4 stars; one submission).

Conditions:
Glycogen storage disease, type II (IOPD). Also called: Pompe Disease; CARDIOMEGALIA GLYCOGENICA DIFFUSA; GLYCOGENOSIS, GENERALIZED, CARDIAC FORM; GSD II; POMPE DISEASE, INFANTILE-ONSET; GLYCOGEN STORAGE DISEASE II, INFANTILE-ONSET. Identifiers: Orphanet 365, MedGen C0017921, MONDO:0009290, OMIM 232300.

Submission:

Genomenon, Inc
Classification: Likely pathogenic for Glycogen storage disease, type II. Last evaluated: 2026-07-01. Review status: criteria provided, single submitter. Criteria: Genomenon Sequence Variant Interpretation Standards - Updated. Collection method: curation. Allele origin: germline. Affected: yes.
Comment: GAA p.Trp621Gly (c.1861T>G) is a missense variant that changes the amino acid at codon 621 from Tryptophan to Glycine. This variant has been observed in at least one proband with a GAA-related disorder in the compound heterozygous and/or homozygous state (PMID:36105079;35833019;35603335). It is absent or not present at a significant frequency in gnomAD. In silico models predict that this variant is possibly or probably damaging. In conclusion, we classify GAA p.Trp621Gly (c.1861T>G) as a likely pathogenic variant.

Literature cited by the submitters: PubMed 36105079; PubMed 35833019; PubMed 35603335.

NM_000152.5(GAA):c.1861T>G (p.Trp621Gly)

Gene: GAA (alpha glucosidase; plus strand). Cytogenetic location: 17q25.3.
Variant type: single nucleotide variant.
Coding change: c.1861T>G on transcript NM_000152.5 (MANE Select); coding-DNA position 1861, T replaced by G.
Protein change: p.Trp621Gly; replaces tryptophan 621 with glycine.
Molecular consequence: missense variant.
Genome position (GRCh38, 1-based): chr17:80,112,684, T>G. VCF-style: chr17-80112684-T-G. GRCh37 (hg19) VCF-style: chr17-78086483-T-G.
Other names: c.1861T>G, p.Trp621Gly (NM_001079803.3, NM_001079804.3, NM_001406741.1 and 1 more transcripts); short protein forms W621G.
Identifiers: ClinVar variation 4876317 (VCV004876317.1).